The following is an entry in ClinVar:

ClinVar aggregate classification (germline): Uncertain significance (1 of 4 stars; one submission).

Conditions:
Dextro-looped transposition of the great arteries. Also called: Dextrotransposition of the great arteries. Identifiers: Orphanet 860, MedGen C3531771, MONDO:0019443, OMIM 608808, HP:0031348.

Allele frequency attached by ClinVar (database versions not stated): ExAC 0.00001.

Submission:

Labcorp Genetics (formerly Invitae), Labcorp
Classification: Uncertain significance for Dextro-looped transposition of the great arteries. Last evaluated: 2023-02-18. Review status: criteria provided, single submitter. Criteria: Invitae Variant Classification Sherloc (09022015). Collection method: clinical testing. Allele origin: germline.
Comment: This variant is present in population databases (rs759517262, gnomAD 0.0009%). In summary, the available evidence is currently insufficient to determine the role of this variant in disease. Therefore, it has been classified as a Variant of Uncertain Significance. Algorithms developed to predict the effect of sequence changes on RNA splicing suggest that this variant may create or strengthen a splice site. Advanced modeling of protein sequence and biophysical properties (such as structural, functional, and spatial information, amino acid conservation, physicochemical variation, residue mobility, and thermodynamic stability) performed at Invitae indicates that this missense variant is not expected to disrupt MED13L protein function. This variant has not been reported in the literature in individuals affected with MED13L-related conditions. This sequence change replaces methionine, which is neutral and non-polar, with valine, which is neutral and non-polar, at codon 1704 of the MED13L protein (p.Met1704Val).

NM_015335.5(MED13L):c.5110A>G (p.Met1704Val)

Gene: MED13L (mediator complex subunit 13L; minus strand). Cytogenetic location: 12q24.21.
Variant type: single nucleotide variant.
Coding change: c.5110A>G on transcript NM_015335.5 (MANE Select); coding-DNA position 5110, A replaced by G.
Protein change: p.Met1704Val; replaces methionine 1704 with valine.
Molecular consequence: missense variant.
Genome position (GRCh38, 1-based): chr12:115,982,449, T>C on the plus strand (A>G on the coding strand, the complement: MED13L is on the minus strand). VCF-style: chr12-115982449-T-C. GRCh37 (hg19) VCF-style: chr12-116420254-T-C.
Other names: short protein forms M1704V.
Identifiers: ClinVar variation 2904431 (VCV002904431.3), dbSNP rs759517262, ClinGen allele CA6810675.